The following is an entry in ClinVar:

ClinVar aggregate classification (germline): Conflicting classifications of pathogenicity. Review status: criteria provided, conflicting classifications (1 of 4 stars). 3 submissions from 3 submitters: Uncertain significance (1); Likely benign (2). Last evaluated 2025-12-09.

Conditions:
BIN1-related disorder. Also called: BIN1-related condition.
Myopathy, centronuclear, 2 (CNM2). Also called: MYOTUBULAR MYOPATHY, AUTOSOMAL RECESSIVE. Identifiers: Orphanet 169186, MedGen CN031787, MONDO:0009709, OMIM 255200.

Allele frequency attached by ClinVar (database versions not stated): gnomAD exomes 0.00002 and 0.00009; gnomAD 0.00009 and 0.00011; ExAC 0.00013; TOPMed 0.00034; 1000 Genomes Project 30x 0.00078; 1000 Genomes Project 0.00080.
gnomAD v4.1: 50 of 1,571,182 alleles (0.0032%); highest among the groups gnomAD compares: Admixed American, 0.068%; no homozygotes.

Submissions (3):

PreventionGenetics, part of Exact Sciences
Classification: Likely benign for BIN1-related condition. Last evaluated: 2025-12-09. Review status: criteria provided, single submitter. Criteria: ACMG Guidelines, 2015. Collection method: clinical testing. Allele origin: germline.
Comment: This variant is classified as likely benign based on ACMG/AMP sequence variant interpretation guidelines (Richards et al. 2015 PMID: 25741868, with internal and published modifications).

Labcorp Genetics (formerly Invitae), Labcorp
Classification: Likely benign for Myopathy, centronuclear, 2. Last evaluated: 2025-12-03. Review status: criteria provided, single submitter. Criteria: Invitae Variant Classification Sherloc (09022015). Collection method: clinical testing. Allele origin: germline.

GeneDx
Classification: Uncertain significance. Last evaluated: 2021-05-26. Review status: criteria provided, single submitter. Criteria: GeneDx Variant Classification Process June 2021. Collection method: clinical testing. Allele origin: germline. Affected: yes.
Comment: Has not been previously published as pathogenic or benign to our knowledge; In silico analysis, which includes splice predictors and evolutionary conservation, suggests this variant may impact gene splicing. In the absence of RNA/functional studies, the actual effect of this sequence change is unknown.

NM_139343.3(BIN1):c.1264-5A>C

Gene: BIN1 (bridging integrator 1; minus strand). Cytogenetic location: 2q14.3.
Variant type: single nucleotide variant.
Coding change: c.1264-5A>C on transcript NM_139343.3 (MANE Select); 5 bases into the intron before coding-DNA position 1264, A replaced by C.
Molecular consequence: intron variant.
Genome position (GRCh38, 1-based): chr2:127,052,367, T>G on the plus strand (A>C on the coding strand, the complement: BIN1 is on the minus strand). VCF-style: chr2-127052367-T-G. GRCh37 (hg19) VCF-style: chr2-127809943-T-G.
Other names: c.1183-5A>C (NM_001320642.1); c.838-1455A>C (NM_001320634.1); c.910-1455A>C (NM_139351.3); c.910-1124A>C (NM_139350.3); c.910-5A>C (NM_139349.3); c.1039-1124A>C (NM_139348.3); c.1039-5A>C (NM_139347.3); c.1171-5A>C (NM_001320641.2); and 7 more.
Identifiers: ClinVar variation 461702 (VCV000461702.13), dbSNP rs541219767, ClinGen allele CA1857110.